The following is an entry in ClinVar:

NM_001365999.1(SZT2):c.7225G>A (p.Gly2409Arg)

Gene: SZT2 (SZT2 subunit of KICSTOR complex; plus strand). Cytogenetic location: 1p34.2.
Variant type: single nucleotide variant.
Coding change: c.7225G>A on transcript NM_001365999.1 (MANE Select); coding-DNA position 7225, G replaced by A.
Protein change: p.Gly2409Arg; replaces glycine 2409 with arginine.
Molecular consequence: missense variant.
Genome position (GRCh38, 1-based): chr1:43,440,467, G>A. VCF-style: chr1-43440467-G-A. GRCh37 (hg19) VCF-style: chr1-43906138-G-A.
Other names: c.7054G>A, p.Gly2352Arg (NM_015284.4); c.7054G>A (NM_015284.3); short protein forms G2352R, G2409R.
Identifiers: ClinVar variation 1963683 (VCV001963683.6), dbSNP rs1389864101, ClinGen allele CA340034245.
Genomic context (GRCh38, chr1:43,440,467, plus strand): 5'-GGATTGATGATCAGTGATGGGTGTCTGTAATGTCTGATGTCCACAGGAAGTCTCAGGAAC[G>A]GATCGTTGGAAACTAAGAGCTCTGCAGGCCGAGCTAGCACCTTTCCCCCTGCCCCTGTCC-3'
Protein context (NP_001352928.1, residues 2399-2419): EDTPTGSLRN[Gly2409Arg]SLETKSSAGR

ClinVar aggregate classification (germline): Uncertain significance. Review status: criteria provided, multiple submitters, no conflicts (2 of 4 stars). 2 submissions from 2 submitters: Uncertain significance (2). Last evaluated 2024-02-15.

Allele frequency attached by ClinVar (database versions not stated): gnomAD 0.00001; TOPMed 0.00002.
gnomAD v4.1: 15 of 1,599,058 alleles (0.00094%); highest among the groups gnomAD compares: East Asian, 0.0023%; no homozygotes.

Submissions (2):

GeneDx
Classification: Uncertain significance. Last evaluated: 2024-02-15. Review status: criteria provided, single submitter. Criteria: GeneDx Variant Classification Process June 2021. Collection method: clinical testing. Allele origin: germline. Affected: yes.
Comment: Not observed at significant frequency in large population cohorts (gnomAD); In silico analysis supports that this missense variant does not alter protein structure/function; Has not been previously published as pathogenic or benign to our knowledge

Labcorp Genetics (formerly Invitae), Labcorp
Classification: Uncertain significance. Last evaluated: 2022-07-13. Review status: criteria provided, single submitter. Criteria: Invitae Variant Classification Sherloc (09022015). Collection method: clinical testing. Allele origin: germline.
Comment: This sequence change replaces glycine, which is neutral and non-polar, with arginine, which is basic and polar, at codon 2352 of the SZT2 protein (p.Gly2352Arg). The frequency data for this variant in the population databases is considered unreliable, as metrics indicate poor data quality at this position in the gnomAD database. This variant has not been reported in the literature in individuals affected with SZT2-related conditions. Algorithms developed to predict the effect of missense changes on protein structure and function are either unavailable or do not agree on the potential impact of this missense change (SIFT: "Deleterious"; PolyPhen-2: "Benign"; Align-GVGD: "Class C25"). Algorithms developed to predict the effect of sequence changes on RNA splicing suggest that this variant may disrupt the consensus splice site. In summary, the available evidence is currently insufficient to determine the role of this variant in disease. Therefore, it has been classified as a Variant of Uncertain Significance.